The following is an entry in ClinVar:

ClinVar aggregate classification (germline): Benign. Review status: criteria provided, multiple submitters, no conflicts (2 of 4 stars). 2 submissions from 2 submitters: Benign (2). Last evaluated 2018-06-15.

Allele frequency attached by ClinVar (database versions not stated): gnomAD 0.22190 and 0.22375; TOPMed 0.22905; 1000 Genomes Project 0.23722; 1000 Genomes Project 30x 0.23766.
gnomAD v4.1: 184,345 of 954,570 alleles (19%); highest among the groups gnomAD compares: East Asian, 33%; 18,361 homozygotes.

Submissions (2):

GeneDx
Classification: Benign. Last evaluated: 2018-06-15. Review status: criteria provided, single submitter. Criteria: GeneDx Variant Classification (06012015). Collection method: clinical testing. Allele origin: germline. Affected: yes.
Comment: This variant is considered likely benign or benign based on one or more of the following criteria: it is a conservative change, it occurs at a poorly conserved position in the protein, it is predicted to be benign by multiple in silico algorithms, and/or has population frequency not consistent with disease.

Breakthrough Genomics
Classification: Benign. Review status: criteria provided, single submitter. Criteria: ACMG Guidelines, 2015. Collection method: not provided. Allele origin: germline. Inheritance: Autosomal recessive inheritance. Affected: yes.

NM_021167.5(GATAD1):c.249+95C>G

Genes: GATAD1 (GATA zinc finger domain containing 1; plus strand), LOC129998793 (ATAC-STARR-seq lymphoblastoid silent region 18371; plus strand). Cytogenetic location: 7q21.2.
Variant type: single nucleotide variant.
Coding change: c.249+95C>G on transcript NM_021167.5 (MANE Select); 95 bases into the intron after coding-DNA position 249, C replaced by G.
Molecular consequence: intron variant.
Genome position (GRCh38, 1-based): chr7:92,448,073, C>G. VCF-style: chr7-92448073-C-G. GRCh37 (hg19) VCF-style: chr7-92077387-C-G.
Identifiers: ClinVar variation 671241 (VCV000671241.2), dbSNP rs6963580, ClinGen allele CA12543517.